The following is an entry in ClinVar:

ClinVar aggregate classification (germline): Uncertain significance (1 of 4 stars; one submission).

Conditions:
Majeed syndrome (MJDS). Also called: LPIN2-Related Majeed Syndrome; CHRONIC RECURRENT MULTIFOCAL OSTEOMYELITIS 1, WITH CONGENITAL DYSERYTHROPOIETIC ANEMIA, WITH OR WITHOUT NEUTROPHILIC DERMATOSIS. Identifiers: Orphanet 77297, MedGen C1864997, MONDO:0012316, OMIM 609628.

Submission:

Labcorp Genetics (formerly Invitae), Labcorp
Classification: Uncertain significance for Majeed syndrome. Last evaluated: 2021-10-11. Review status: criteria provided, single submitter. Criteria: Invitae Variant Classification Sherloc (09022015). Collection method: clinical testing. Allele origin: germline.
Comment: This sequence change replaces valine with leucine at codon 4 of the LPIN2 protein (p.Val4Leu). The valine residue is highly conserved and there is a small physicochemical difference between valine and leucine. This variant is not present in population databases (ExAC no frequency). This variant has not been reported in the literature in individuals affected with LPIN2-related conditions. Algorithms developed to predict the effect of missense changes on protein structure and function are either unavailable or do not agree on the potential impact of this missense change (SIFT: "Tolerated"; PolyPhen-2: "Probably Damaging"; Align-GVGD: "Class C0"). In summary, the available evidence is currently insufficient to determine the role of this variant in disease. Therefore, it has been classified as a Variant of Uncertain Significance.

NM_001375808.2(LPIN2):c.10G>T (p.Val4Leu)

Gene: LPIN2 (lipin 2; minus strand). Cytogenetic location: 18p11.31.
Variant type: single nucleotide variant.
Coding change: c.10G>T on transcript NM_001375808.2 (MANE Select); coding-DNA position 10, G replaced by T.
Protein change: p.Val4Leu; replaces valine 4 with leucine.
Molecular consequence: missense variant.
Genome position (GRCh38, 1-based): chr18:2,960,831, C>A on the plus strand (G>T on the coding strand, the complement: LPIN2 is on the minus strand). VCF-style: chr18-2960831-C-A. GRCh37 (hg19) VCF-style: chr18-2960829-C-A.
Other names: c.10G>T, p.Val4Leu (NM_001375809.1, NM_014646.2); short protein forms V4L.
Identifiers: ClinVar variation 1420218 (VCV001420218.8), dbSNP rs2143203306, ClinGen allele CA401711771.